The following is an entry in ClinVar:

NM_015192.4(PLCB1):c.3423+24A>C

Gene: PLCB1 (phospholipase C beta 1; plus strand). Cytogenetic location: 20p12.3.
Variant type: single nucleotide variant.
Coding change: c.3423+24A>C on transcript NM_015192.4 (MANE Select); 24 bases into the intron after coding-DNA position 3423, A replaced by C.
Molecular consequence: intron variant.
Genome position (GRCh38, 1-based): chr20:8,790,285, A>C. VCF-style: chr20-8790285-A-C. GRCh37 (hg19) VCF-style: chr20-8770932-A-C.
Other names: c.3423+24A>C (NM_182734.3).
Identifiers: ClinVar variation 1237671 (VCV001237671.8), dbSNP rs2294598, ClinGen allele CA9760558.

ClinVar aggregate classification (germline): Benign. Review status: criteria provided, multiple submitters, no conflicts (2 of 4 stars). 4 submissions from 4 submitters: Benign (4). Last evaluated 2024-07-15.

Conditions:
Developmental and epileptic encephalopathy, 12 (DEE12). Identifiers: MedGen C3150988, MONDO:0013389, OMIM 613722.

Allele frequency attached by ClinVar (database versions not stated): 1000 Genomes Project 30x 0.22814; 1000 Genomes Project 0.22903; TOPMed 0.23790; gnomAD 0.24849 and 0.25170; ESP Exome Variant Server 0.25204; gnomAD exomes 0.27713; ExAC 0.30616.
gnomAD v4.1: 454,302 of 1,546,396 alleles (29%); highest among the groups gnomAD compares: South Asian, 34%; 69,121 homozygotes.

Submissions (4):

Unidad de Genómica Garrahan, Hospital de Pediatría Garrahan
Classification: Benign. Last evaluated: 2024-07-15. Review status: criteria provided, single submitter. Criteria: ACMG Guidelines, 2015. Collection method: clinical testing. Allele origin: germline. Affected: no. Observed: 37 variant alleles.
Comment: This variant is classified as Benign based on local population frequency. This variant was detected in 40% of patients studied in a panel designed for Epileptic and Developmental Encephalopathy and Progressive Myoclonus Epilepsy. Number of patients: 37. Only high quality variants are reported.

Genome-Nilou Lab
Classification: Benign for Developmental and epileptic encephalopathy, 12. Last evaluated: 2021-09-05. Review status: criteria provided, single submitter. Criteria: ACMG Guidelines, 2015. Collection method: clinical testing. Allele origin: germline. Affected: no.

GeneDx
Classification: Benign. Last evaluated: 2020-11-24. Review status: criteria provided, single submitter. Criteria: GeneDx Variant Classification Process June 2021. Collection method: clinical testing. Allele origin: germline. Affected: yes.

Breakthrough Genomics
Classification: Benign. Review status: criteria provided, single submitter. Criteria: ACMG Guidelines, 2015. Collection method: not provided. Allele origin: germline. Inheritance: Autosomal recessive inheritance. Affected: yes.